The following is an entry in ClinVar:

NM_198965.2(PTHLH):c.141G>C (p.Lys47Asn)

Gene: PTHLH (parathyroid hormone like hormone; minus strand). Cytogenetic location: 12p11.22.
Variant type: single nucleotide variant.
Coding change: c.141G>C on transcript NM_198965.2 (MANE Select); coding-DNA position 141, G replaced by C.
Protein change: p.Lys47Asn; replaces lysine 47 with asparagine.
Molecular consequence: missense variant.
Genome position (GRCh38, 1-based): chr12:27,963,731, C>G on the plus strand (G>C on the coding strand, the complement: PTHLH is on the minus strand). VCF-style: chr12-27963731-C-G. GRCh37 (hg19) VCF-style: chr12-28116664-C-G.
Other names: c.141G>C, p.Lys47Asn (NM_002820.3, NM_198964.2, NM_198966.2); short protein forms K47N.
Identifiers: ClinVar variation 4761877 (VCV004761877.1).
Genomic context (GRCh38, chr12:27,963,731, plus strand): 5'-GATTTCTGCGATCAGATGGTGAAGGAAGAATCGTCGCCGTAAATCTTGGATGGACTTCCC[C>G]TTGTCATGGAGGAGCTGATGTTCAGACACAGCTCTTTTGCTTTGAAAGAAAATATTAGAG-3'
Protein context (NP_945316.1, residues 37-57): AVSEHQLLHD[Lys47Asn]GKSIQDLRRR

ClinVar aggregate classification (germline): Uncertain significance (1 of 4 stars; one submission).

Submission:

Labcorp Genetics (formerly Invitae), Labcorp
Classification: Uncertain significance. Last evaluated: 2025-02-26. Review status: criteria provided, single submitter. Criteria: Invitae Variant Classification Sherloc (09022015). Collection method: clinical testing. Allele origin: germline.
Comment: This sequence change replaces lysine, which is basic and polar, with asparagine, which is neutral and polar, at codon 47 of the PTHLH protein (p.Lys47Asn). This variant is not present in population databases (gnomAD no frequency). This variant has not been reported in the literature in individuals affected with PTHLH-related conditions. An algorithm developed to predict the effect of missense changes on protein structure and function (PolyPhen-2) suggests that this variant is likely to be disruptive. In summary, the available evidence is currently insufficient to determine the role of this variant in disease. Therefore, it has been classified as a Variant of Uncertain Significance.